The following is an entry in ClinVar:

NM_001347721.2(DYRK1A):c.487C>G (p.Gln163Glu)

Gene: DYRK1A (dual specificity tyrosine phosphorylation regulated kinase 1A; plus strand). Cytogenetic location: 21q22.13.
Variant type: single nucleotide variant.
Coding change: c.487C>G on transcript NM_001347721.2 (MANE Select); coding-DNA position 487, C replaced by G.
Protein change: p.Gln163Glu; replaces glutamine 163 with glutamic acid.
Molecular consequence: missense variant.
Genome position (GRCh38, 1-based): chr21:37,480,824, C>G. VCF-style: chr21-37480824-C-G. GRCh37 (hg19) VCF-style: chr21-38853126-C-G.
Other names: c.487C>G, p.Gln163Glu (NM_001347722.2, NM_130436.2); c.400C>G, p.Gln134Glu (NM_001347723.2); c.514C>G, p.Gln172Glu (NM_001396.5, NM_101395.2, NM_130438.2); short protein forms Q134E, Q163E, Q172E.
Identifiers: ClinVar variation 3897452 (VCV003897452.1).
Genomic context (GRCh38, chr21:37,480,824, plus strand): 5'-GGAGAAAAGTGGATGGATCGTTACGAAATTGACTCCTTGATAGGCAAAGGTTCCTTTGGA[C>G]AGGTAATTTAATGGAAAATGCTGAATTTCATTAGTTAGAAAGAACTTCTTAGTGAATCTT-3'
Protein context (NP_001334650.1, residues 153-173): DSLIGKGSFG[Gln163Glu]VVKAYDRVEQ

ClinVar aggregate classification (germline): Uncertain significance (1 of 4 stars; one submission).

Submission:

GeneDx
Classification: Uncertain significance. Last evaluated: 2024-10-31. Review status: criteria provided, single submitter. Criteria: GeneDx Variant Classification Process June 2021. Collection method: clinical testing. Allele origin: germline. Affected: yes.
Comment: Not observed at significant frequency in large population cohorts (gnomAD); In silico analysis supports that this missense variant has a deleterious effect on protein structure/function; Has not been previously published as pathogenic or benign to our knowledge